The following is an entry in ClinVar:

ClinVar aggregate classification (germline): Uncertain significance (1 of 4 stars; one submission).

Conditions:
Acrocallosal syndrome (ACLS). Also called: Schinzel syndrome 1; Absence of corpus callosum with unusual facial appearance, mental deficiency, duplication of the halluces and polydactyly; HALLUX DUPLICATION, POSTAXIAL POLYDACTYLY, AND ABSENCE OF CORPUS CALLOSUM. Identifiers: Orphanet 36, MedGen C0796147, MONDO:0008708, OMIM 200990.

Allele frequency attached by ClinVar (database versions not stated): gnomAD 0.00001; TOPMed 0.00001.

Submission:

Labcorp Genetics (formerly Invitae), Labcorp
Classification: Uncertain significance for Acrocallosal syndrome. Last evaluated: 2022-10-17. Review status: criteria provided, single submitter. Criteria: Invitae Variant Classification Sherloc (09022015). Collection method: clinical testing. Allele origin: germline.
Comment: In summary, the available evidence is currently insufficient to determine the role of this variant in disease. Therefore, it has been classified as a Variant of Uncertain Significance. Advanced modeling of protein sequence and biophysical properties (such as structural, functional, and spatial information, amino acid conservation, physicochemical variation, residue mobility, and thermodynamic stability) performed at Invitae indicates that this missense variant is not expected to disrupt KIF7 protein function. This variant has not been reported in the literature in individuals affected with KIF7-related conditions. This variant is not present in population databases (gnomAD no frequency). This sequence change replaces arginine, which is basic and polar, with histidine, which is basic and polar, at codon 438 of the KIF7 protein (p.Arg438His).

NM_198525.3(KIF7):c.1313G>A (p.Arg438His)

Gene: KIF7 (kinesin family member 7; minus strand). Cytogenetic location: 15q26.1.
Variant type: single nucleotide variant.
Coding change: c.1313G>A on transcript NM_198525.3 (MANE Select); coding-DNA position 1313, G replaced by A.
Protein change: p.Arg438His; replaces arginine 438 with histidine.
Molecular consequence: missense variant.
Genome position (GRCh38, 1-based): chr15:89,648,385, C>T on the plus strand (G>A on the coding strand, the complement: KIF7 is on the minus strand). VCF-style: chr15-89648385-C-T. GRCh37 (hg19) VCF-style: chr15-90191616-C-T.
Other names: short protein forms R438H.
Identifiers: ClinVar variation 1990672 (VCV001990672.4), dbSNP rs1428404363, ClinGen allele CA393771256.